The following is an entry in ClinVar:

NM_001127464.1:c.9695G>T

Gene: ZNF469 (zinc finger protein 469; plus strand).
Variant type: single nucleotide variant.
Identifiers: ClinVar variation 4536274 (VCV004536274.1).

ClinVar aggregate classification (germline): Uncertain significance (1 of 4 stars; one submission).

Submission:

GeneDx
Classification: Uncertain significance. Last evaluated: 2025-06-04. Review status: criteria provided, single submitter. Criteria: GeneDx Variant Classification Process June 2021. Collection method: clinical testing. Allele origin: germline. Affected: yes.
Comment: Has not been previously published as pathogenic or benign to our knowledge; Not observed at significant frequency in large population cohorts (gnomAD); In silico analysis suggests that this missense variant does not alter protein structure/function